The following is an entry in ClinVar:

ClinVar aggregate classification (germline): Conflicting classifications of pathogenicity. Review status: criteria provided, conflicting classifications (1 of 4 stars). 3 submissions from 3 submitters: Uncertain significance (2); Likely benign (1). Last evaluated 2025-03-04.

Allele frequency attached by ClinVar (database versions not stated): gnomAD 0.00001; gnomAD exomes 0.00003; ExAC 0.00038.

Submissions (3):

Ambry Genetics
Classification: Uncertain significance. Last evaluated: 2025-03-04. Review status: criteria provided, single submitter. Criteria: Ambry Variant Classification Scheme 2023. Collection method: clinical testing. Allele origin: germline.

Labcorp Genetics (formerly Invitae), Labcorp
Classification: Uncertain significance. Last evaluated: 2024-10-25. Review status: criteria provided, single submitter. Criteria: Invitae Variant Classification Sherloc (09022015). Collection method: clinical testing. Allele origin: germline.
Comment: This sequence change replaces proline, which is neutral and non-polar, with serine, which is neutral and polar, at codon 107 of the RAX2 protein (p.Pro107Ser). This variant is present in population databases (rs759806695, gnomAD 0.05%). This variant has not been reported in the literature in individuals affected with RAX2-related conditions. ClinVar contains an entry for this variant (Variation ID: 1969942). An algorithm developed to predict the effect of missense changes on protein structure and function outputs the following: PolyPhen-2: "Probably Damaging". The serine amino acid residue is found in multiple mammalian species, which suggests that this missense change does not adversely affect protein function. In summary, the available evidence is currently insufficient to determine the role of this variant in disease. Therefore, it has been classified as a Variant of Uncertain Significance.

Blueprint Genetics
Classification: Likely benign. Last evaluated: 2018-08-21. Review status: criteria provided, single submitter. Criteria: ACMG Guidelines, 2015. Collection method: clinical testing. Allele origin: germline.

NM_001319074.4(RAX2):c.319C>T (p.Pro107Ser)

Gene: RAX2 (retina and anterior neural fold homeobox 2; minus strand). Cytogenetic location: 19p13.3.
Variant type: single nucleotide variant.
Coding change: c.319C>T on transcript NM_001319074.4 (MANE Select); coding-DNA position 319, C replaced by T.
Protein change: p.Pro107Ser; replaces proline 107 with serine.
Molecular consequence: missense variant.
Genome position (GRCh38, 1-based): chr19:3,770,857, G>A on the plus strand (C>T on the coding strand, the complement: RAX2 is on the minus strand). VCF-style: chr19-3770857-G-A. GRCh37 (hg19) VCF-style: chr19-3770855-G-A.
Other names: c.319C>T, p.Pro107Ser (NM_032753.4); c.319C>T (NM_032753.3); short protein forms P107S.
Identifiers: ClinVar variation 1969942 (VCV001969942.7), dbSNP rs759806695, ClinGen allele CA9085049.